The following is an entry in ClinVar:

ClinVar aggregate classification (germline): Benign/Likely benign. Review status: criteria provided, multiple submitters, no conflicts (2 of 4 stars). 8 submissions from 8 submitters: Benign (2); Likely benign (4). 2 of the submissions do not count toward it. Last evaluated 2025-11-03.

Conditions:
Hypogonadotropic hypogonadism 4 with or without anosmia (HH4). Also called: PROK2-Related GnRH Deficiency (Kallmann Syndrome 4); KAL4; HYPOGONADOTROPIC HYPOGONADISM 4 WITH ANOSMIA. Identifiers: Orphanet 478, MedGen C3552343, MONDO:0012528, OMIM 610628.

Allele frequency attached by ClinVar (database versions not stated): 1000 Genomes Project 0.00040; ESP Exome Variant Server 0.00076; 1000 Genomes Project 30x 0.00078; TOPMed 0.00147; gnomAD 0.00156 and 0.00164; gnomAD exomes 0.00167 and 0.00284; ExAC 0.00262.
gnomAD v4.1: 3,321 of 1,248,440 alleles (0.27%); highest among the groups gnomAD compares: Non-Finnish European, 0.31%; 5 homozygotes.

Submissions (8):

Labcorp Genetics (formerly Invitae), Labcorp
Classification: Likely benign. Last evaluated: 2025-11-03. Review status: criteria provided, single submitter. Criteria: Invitae Variant Classification Sherloc (09022015). Collection method: clinical testing. Allele origin: germline.

Blueprint Genetics
Classification: Benign. Last evaluated: 2024-11-14. Review status: criteria provided, single submitter. Criteria: ACMG Guidelines, 2015. Collection method: clinical testing. Allele origin: germline.

CeGaT Center for Human Genetics Tuebingen
Classification: Likely benign. Last evaluated: 2024-07-01. Review status: criteria provided, single submitter. Criteria: CeGaT Center For Human Genetics Tuebingen Variant Classification Criteria Version 2. Collection method: clinical testing. Allele origin: germline. Affected: yes. Observed: 1 variant allele.
Comment: PROK2: BP4, BP7

Fulgent Genetics
Classification: Likely benign for Hypogonadotropic hypogonadism 4 with or without anosmia. Last evaluated: 2021-08-05. Review status: criteria provided, single submitter. Criteria: ACMG Guidelines, 2015. Collection method: clinical testing. Allele origin: unknown.

GeneDx
Classification: Benign. Last evaluated: 2015-04-17. Review status: criteria provided, single submitter. Criteria: GeneDx Variant Classification (06012015). Collection method: clinical testing. Allele origin: germline. Affected: yes.
Comment: This variant is considered likely benign or benign based on one or more of the following criteria: it is a conservative change, it occurs at a poorly conserved position in the protein, it is predicted to be benign by multiple in silico algorithms, and/or has population frequency not consistent with disease.

Breakthrough Genomics
Classification: Likely benign. Review status: criteria provided, single submitter. Criteria: ACMG Guidelines, 2015. Collection method: not provided. Allele origin: germline. Inheritance: Autosomal dominant inheritance. Affected: yes.

Clinical Genetics, Academic Medical Center
Classification: Benign. Review status: no assertion criteria provided. Collection method: clinical testing. Allele origin: germline. Affected: yes. Study: VKGL Data-share Consensus. Not counted in ClinVar's aggregate classification.

Diagnostic Laboratory, Department of Genetics, University Medical Center Groningen
Classification: Likely benign. Review status: no assertion criteria provided. Collection method: clinical testing. Allele origin: germline. Affected: yes. Study: VKGL Data-share Consensus. Not counted in ClinVar's aggregate classification.

NM_001126128.2(PROK2):c.84C>G (p.Ala28=)

Gene: PROK2 (prokineticin 2; minus strand). Cytogenetic location: 3p13.
Variant type: single nucleotide variant.
Coding change: c.84C>G on transcript NM_001126128.2 (MANE Select); coding-DNA position 84, C replaced by G.
Protein change: p.Ala28=; no amino-acid change (alanine 28 retained).
Molecular consequence: synonymous variant.
Genome position (GRCh38, 1-based): chr3:71,784,969, G>C on the plus strand (C>G on the coding strand, the complement: PROK2 is on the minus strand). VCF-style: chr3-71784969-G-C. GRCh37 (hg19) VCF-style: chr3-71834120-G-C.
Other names: c.84C>G, p.Ala28= (NM_021935.4).
Identifiers: ClinVar variation 378430 (VCV000378430.33), dbSNP rs372623686, ClinGen allele CA2492025.